The following is an entry in ClinVar:

ClinVar aggregate classification (germline): Uncertain significance (1 of 4 stars; one submission).

Conditions:
Inborn genetic diseases. Identifiers: MedGen C0950123, MeSH D030342.

Submission:

Ambry Genetics
Classification: Uncertain significance for Inborn genetic diseases. Last evaluated: 2025-08-23. Review status: criteria provided, single submitter. Criteria: Ambry Variant Classification Scheme 2023. Collection method: clinical testing. Allele origin: germline.
Comment: The p.P444S variant (also known as c.1330C>T), located in coding exon 7 of the RECQL4 gene, results from a C to T substitution at nucleotide position 1330. The proline at codon 444 is replaced by serine, an amino acid with similar properties. This amino acid position is conserved. In addition, this alteration is predicted to be tolerated by in silico analysis. Based on the available evidence, the clinical significance of this variant remains unclear.

NM_004260.4(RECQL4):c.1330C>T (p.Pro444Ser)

Gene: RECQL4 (RecQ like helicase 4; minus strand). Cytogenetic location: 8q24.3.
Variant type: single nucleotide variant.
Coding change: c.1330C>T on transcript NM_004260.4 (MANE Select); coding-DNA position 1330, C replaced by T.
Protein change: p.Pro444Ser; replaces proline 444 with serine.
Molecular consequence: missense variant. On other transcripts: 5 prime UTR variant (1), non-coding transcript variant (3).
Genome position (GRCh38, 1-based): chr8:144,515,386, G>A on the plus strand (C>T on the coding strand, the complement: RECQL4 is on the minus strand). VCF-style: chr8-144515386-G-A. GRCh37 (hg19) VCF-style: chr8-145740770-G-A.
Other names: c.1234C>T, p.Pro412Ser (NM_001413017.1, NM_001413020.1); c.1330C>T, p.Pro444Ser (NM_001413018.1, NM_001413019.1, NM_001413033.1 and 2 more transcripts); c.259C>T, p.Pro87Ser (NM_001413021.1, NM_001413022.1, NM_001413023.1 and 8 more transcripts); c.1201C>T, p.Pro401Ser (NM_001413025.1); c.193C>T, p.Pro65Ser (NM_001413027.1, NM_001413030.1, NM_001413031.1 and 2 more transcripts); c.979C>T, p.Pro327Ser (NM_001413029.1); c.-138C>T (NM_001413043.1); short protein forms P327S, P444S, P65S, P87S, P401S, P412S.
Identifiers: ClinVar variation 4152429 (VCV004152429.1).